The following is an entry in ClinVar:

ClinVar aggregate classification (germline): Uncertain significance (1 of 4 stars; one submission).

gnomAD v4.1: 1 of 1,613,234 alleles (0.000062%); highest among the groups gnomAD compares: Non-Finnish European, 0.000085%; no homozygotes.

Submission:

Ambry Genetics
Classification: Uncertain significance. Last evaluated: 2024-10-12. Review status: criteria provided, single submitter. Criteria: Ambry Variant Classification Scheme 2023. Collection method: clinical testing. Allele origin: germline.
Comment: The p.S1200F variant (also known as c.3599C>T), located in coding exon 16 of the POLQ gene, results from a C to T substitution at nucleotide position 3599. The serine at codon 1200 is replaced by phenylalanine, an amino acid with highly dissimilar properties. This amino acid position is conserved. In addition, this alteration is predicted to be tolerated by in silico analysis. Based on the available evidence, the clinical significance of this variant remains unclear.

NM_199420.4(POLQ):c.3599C>T (p.Ser1200Phe)

Gene: POLQ (DNA polymerase theta; minus strand). Cytogenetic location: 3q13.33.
Variant type: single nucleotide variant.
Coding change: c.3599C>T on transcript NM_199420.4 (MANE Select); coding-DNA position 3599, C replaced by T.
Protein change: p.Ser1200Phe; replaces serine 1200 with phenylalanine.
Molecular consequence: missense variant.
Genome position (GRCh38, 1-based): chr3:121,489,332, G>A on the plus strand (C>T on the coding strand, the complement: POLQ is on the minus strand). VCF-style: chr3-121489332-G-A. GRCh37 (hg19) VCF-style: chr3-121208179-G-A.
Other names: short protein forms S1200F.
Identifiers: ClinVar variation 3422593 (VCV003422593.1).
Genomic context (GRCh38, chr3:121,489,332, plus strand): 5'-CAGGGCATTTGTCTCTCTATTATATTTTTCTGTTTGGTAATAGTGCTTGTCTGTTCATGA[G>A]ATTGCTTTCGCAGGTACTGGTTAATTGGATGGATGTCATGGTGTTTCATATAAACATTCT-3'
Protein context (NP_955452.3, residues 1190-1210): HPINQYLRKQ[Ser1200Phe]HEQTSTITKQ